The following is an entry in ClinVar:

NM_000271.5(NPC1):c.1321C>T (p.His441Tyr)

Gene: NPC1 (NPC intracellular cholesterol transporter 1; minus strand). Cytogenetic location: 18q11.2.
Variant type: single nucleotide variant.
Coding change: c.1321C>T on transcript NM_000271.5 (MANE Select); coding-DNA position 1321, C replaced by T.
Protein change: p.His441Tyr; replaces histidine 441 with tyrosine.
Molecular consequence: missense variant.
Genome position (GRCh38, 1-based): chr18:23,556,248, G>A on the plus strand (C>T on the coding strand, the complement: NPC1 is on the minus strand). VCF-style: chr18-23556248-G-A. GRCh37 (hg19) VCF-style: chr18-21136212-G-A.
Other names: p.His441Tyr; short protein forms H441Y.
Identifiers: ClinVar variation 836745 (VCV000836745.9), dbSNP rs764171713, ClinGen allele CA8913499.
Genomic context (GRCh38, chr18:23,556,248, plus strand): 5'-GCCAGCAAACCACAAGGTCATCTAGAGTGACTTATTTCTTCAAACAGCAGGTTACCTGGT[G>A]CAGTATCTGTATGTCAAGCGGAGGTCCAAAGGGTACATCAGCTCCCGAAGGGTATGGCTG-3'
Protein context (NP_000262.2, residues 431-451): FGPPLDIQIL[His441Tyr]QVLDLQIAIE

ClinVar aggregate classification (germline): Uncertain significance. Review status: criteria provided, multiple submitters, no conflicts (2 of 4 stars). 3 submissions from 3 submitters: Uncertain significance (3). Last evaluated 2024-08-05.

Conditions:
Inborn genetic diseases. Identifiers: MedGen C0950123, MeSH D030342.
Niemann-Pick disease, type C1. Also called: NEUROVISCERAL STORAGE DISEASE WITH VERTICAL SUPRANUCLEAR OPHTHALMOPLEGIA; NIEMANN-PICK DISEASE WITH CHOLESTEROL ESTERIFICATION BLOCK; NIEMANN-PICK DISEASE WITHOUT SPHINGOMYELINASE DEFICIENCY; NIEMANN-PICK DISEASE, CHRONIC NEURONOPATHIC FORM; NIEMANN-PICK DISEASE, VARIANT TYPE C1. Identifiers: Orphanet 646, MedGen C3179455, MONDO:0009757, OMIM 257220.

Allele frequency attached by ClinVar (database versions not stated): gnomAD exomes below 0.00001; ExAC 0.00001.
gnomAD v4.1: 1 of 1,613,964 alleles (0.000062%); highest among the groups gnomAD compares: Non-Finnish European, 0.000085%; no homozygotes.

Submissions (3):

Mayo Clinic Laboratories, Mayo Clinic
Classification: Uncertain significance. Last evaluated: 2024-08-05. Review status: criteria provided, single submitter. Criteria: ACMG Guidelines, 2015. Collection method: clinical testing. Allele origin: germline. Observed: 1 variant allele.
Comment: PM2

Ambry Genetics
Classification: Uncertain significance for Inborn genetic diseases. Last evaluated: 2022-06-12. Review status: criteria provided, single submitter. Criteria: Ambry Variant Classification Scheme 2023. Collection method: clinical testing. Allele origin: germline.
Comment: The p.H441Y variant (also known as c.1321C>T), located in coding exon 8 of the NPC1 gene, results from a C to T substitution at nucleotide position 1321. The histidine at codon 441 is replaced by tyrosine, an amino acid with similar properties. This amino acid position is conserved. In addition, the in silico prediction for this alteration is inconclusive. Since supporting evidence is limited at this time, the clinical significance of this alteration remains unclear.

Labcorp Genetics (formerly Invitae), Labcorp
Classification: Uncertain significance for Niemann-Pick disease, type C1. Last evaluated: 2021-08-27. Review status: criteria provided, single submitter. Criteria: Invitae Variant Classification Sherloc (09022015). Collection method: clinical testing. Allele origin: germline.
Comment: This sequence change replaces histidine with tyrosine at codon 441 of the NPC1 protein (p.His441Tyr). The histidine residue is moderately conserved and there is a moderate physicochemical difference between histidine and tyrosine. This variant is present in population databases (rs764171713, ExAC 0.001%). This variant has not been reported in the literature in individuals affected with NPC1-related conditions. Algorithms developed to predict the effect of missense changes on protein structure and function are either unavailable or do not agree on the potential impact of this missense change (SIFT: "Deleterious"; PolyPhen-2: "Benign"; Align-GVGD: "Class C0"). In summary, the available evidence is currently insufficient to determine the role of this variant in disease. Therefore, it has been classified as a Variant of Uncertain Significance.